The following is an entry in ClinVar:

ClinVar aggregate classification (germline): Uncertain significance. Review status: criteria provided, multiple submitters, no conflicts (2 of 4 stars). 2 submissions from 2 submitters: Uncertain significance (2). Last evaluated 2025-03-26.

Conditions:
PCNT-related disorder. Also called: PCNT-related condition.
Inborn genetic diseases. Identifiers: MedGen C0950123, MeSH D030342.

gnomAD v4.1: 24 of 1,613,756 alleles (0.0015%); highest among the groups gnomAD compares: African/African-American, 0.004%; no homozygotes.

Submissions (2):

PreventionGenetics, part of Exact Sciences
Classification: Uncertain significance for PCNT-related condition. Last evaluated: 2025-03-26. Review status: criteria provided, single submitter. Criteria: ACMG Guidelines, 2015. Collection method: clinical testing. Allele origin: germline.
Comment: The PCNT c.1285C>T variant is predicted to result in the amino acid substitution p.Arg429Trp. To our knowledge, this variant has not been reported in the literature. This variant is reported in 0.0062% of alleles in individuals of African descent in gnomAD. At this time, the clinical significance of this variant is uncertain due to the absence of conclusive functional and genetic evidence.

Ambry Genetics
Classification: Uncertain significance for Inborn genetic diseases. Last evaluated: 2024-05-31. Review status: criteria provided, single submitter. Criteria: Ambry Variant Classification Scheme 2023. Collection method: clinical testing. Allele origin: germline.

NM_006031.6(PCNT):c.1285C>T (p.Arg429Trp)

Gene: PCNT (pericentrin; plus strand). Cytogenetic location: 21q22.3.
Variant type: single nucleotide variant.
Coding change: c.1285C>T on transcript NM_006031.6 (MANE Select); coding-DNA position 1285, C replaced by T.
Protein change: p.Arg429Trp; replaces arginine 429 with tryptophan.
Molecular consequence: missense variant.
Genome position (GRCh38, 1-based): chr21:46,349,761, C>T. VCF-style: chr21-46349761-C-T. GRCh37 (hg19) VCF-style: chr21-47769675-C-T.
Other names: c.931C>T, p.Arg311Trp (NM_001315529.2); short protein forms R311W, R429W.
Identifiers: ClinVar variation 3305197 (VCV003305197.2).
Genomic context (GRCh38, chr21:46,349,761, plus strand): 5'-GAGAGTCATCATCAAGCAGCCATTGAGAAGTTACGTGAAGACCTGCAGTCCGAGCACGGC[C>T]GGTGTTTAGAAGACTTGGAGTTCAAGTTCAAAGAGAGCGAGAAAGAAAAACAGCTGGAGG-3'
Protein context (NP_006022.3, residues 419-439): LREDLQSEHG[Arg429Trp]CLEDLEFKFK